The following is an entry in ClinVar:

NM_001291303.3(FAT4):c.9233A>G (p.His3078Arg)

Gene: FAT4 (FAT atypical cadherin 4; plus strand). Cytogenetic location: 4q28.1.
Variant type: single nucleotide variant.
Coding change: c.9233A>G on transcript NM_001291303.3 (MANE Select); coding-DNA position 9233, A replaced by G.
Protein change: p.His3078Arg; replaces histidine 3078 with arginine.
Molecular consequence: missense variant.
Genome position (GRCh38, 1-based): chr4:125,450,243, A>G. VCF-style: chr4-125450243-A-G. GRCh37 (hg19) VCF-style: chr4-126371398-A-G.
Other names: c.9233A>G, p.His3078Arg (NM_001291285.3); c.9227A>G, p.His3076Arg (NM_024582.6); short protein forms H3078R, H3076R.
Identifiers: ClinVar variation 2847113 (VCV002847113.3), dbSNP rs2530901703, ClinGen allele CA358150886.

ClinVar aggregate classification (germline): Uncertain significance (1 of 4 stars; one submission).

Submission:

Labcorp Genetics (formerly Invitae), Labcorp
Classification: Uncertain significance. Last evaluated: 2023-03-18. Review status: criteria provided, single submitter. Criteria: Invitae Variant Classification Sherloc (09022015). Collection method: clinical testing. Allele origin: germline.
Comment: In summary, the available evidence is currently insufficient to determine the role of this variant in disease. Therefore, it has been classified as a Variant of Uncertain Significance. Advanced modeling of protein sequence and biophysical properties (such as structural, functional, and spatial information, amino acid conservation, physicochemical variation, residue mobility, and thermodynamic stability) performed at Invitae indicates that this missense variant is not expected to disrupt FAT4 protein function. This variant has not been reported in the literature in individuals affected with FAT4-related conditions. This variant is not present in population databases (gnomAD no frequency). This sequence change replaces histidine, which is basic and polar, with arginine, which is basic and polar, at codon 3076 of the FAT4 protein (p.His3076Arg).